The following is an entry in ClinVar:

ClinVar aggregate classification (germline): Conflicting classifications of pathogenicity. Review status: criteria provided, conflicting classifications (1 of 4 stars). 3 submissions from 3 submitters: Uncertain significance (2); Likely benign (1). Last evaluated 2025-05-05.

Conditions:
Hereditary nonpolyposis colorectal neoplasms. Identifiers: MedGen C0009405, MeSH D003123.
Hereditary cancer-predisposing syndrome. Also called: Neoplastic Syndromes, Hereditary; Tumor predisposition; Hereditary Cancer Syndrome; Hereditary neoplastic syndrome. Identifiers: Orphanet 140162, MedGen C0027672, MeSH D009386, MONDO:0015356.
Lynch syndrome 4 (LYNCH4). Also called: Colorectal cancer, hereditary nonpolyposis, type 4; Hereditary non-polyposis colorectal cancer, type 4. Identifiers: Orphanet 144, MedGen C1838333, MONDO:0013699, OMIM 614337. Disease mechanism: loss of function.

Allele frequency attached by ClinVar (database versions not stated): gnomAD exomes below 0.00001; TOPMed below 0.00001; gnomAD 0.00001.
gnomAD v4.1: 2 of 1,614,064 alleles (0.00012%); highest among the groups gnomAD compares: Non-Finnish European, 0.00017%; no homozygotes.

Submissions (3):

Ambry Genetics
Classification: Likely benign for Hereditary cancer-predisposing syndrome. Last evaluated: 2025-05-05. Review status: criteria provided, single submitter. Criteria: Ambry Variant Classification Scheme 2023. Collection method: clinical testing. Allele origin: germline.

Baylor Genetics
Classification: Uncertain significance for Lynch syndrome 4. Last evaluated: 2024-01-18. Review status: criteria provided, single submitter. Criteria: ACMG Guidelines, 2015. Collection method: clinical testing. Allele origin: unknown.

Labcorp Genetics (formerly Invitae), Labcorp
Classification: Uncertain significance for Hereditary nonpolyposis colorectal neoplasms. Last evaluated: 2021-11-17. Review status: criteria provided, single submitter. Criteria: Invitae Variant Classification Sherloc (09022015). Collection method: clinical testing. Allele origin: germline.
Comment: Advanced modeling of protein sequence and biophysical properties (such as structural, functional, and spatial information, amino acid conservation, physicochemical variation, residue mobility, and thermodynamic stability) performed at Invitae indicates that this missense variant is not expected to disrupt PMS2 protein function. ClinVar contains an entry for this variant (Variation ID: 820148). This missense change has been observed in individual(s) with pancreatic neuroendocrine tumor (PMID: 28767289). This variant is not present in population databases (gnomAD no frequency). This sequence change replaces asparagine, which is neutral and polar, with serine, which is neutral and polar, at codon 612 of the PMS2 protein (p.Asn612Ser). Algorithms developed to predict the effect of sequence changes on RNA splicing suggest that this variant may create or strengthen a splice site. In summary, the available evidence is currently insufficient to determine the role of this variant in disease. Therefore, it has been classified as a Variant of Uncertain Significance.

Literature cited by the submitters: PubMed 28767289 (cited by Labcorp Genetics (formerly Invitae), Labcorp).

NM_000535.7(PMS2):c.1835A>G (p.Asn612Ser)

Gene: PMS2 (PMS1 homolog 2, mismatch repair system component; minus strand). Cytogenetic location: 7p22.1.
Variant type: single nucleotide variant.
Coding change: c.1835A>G on transcript NM_000535.7 (MANE Select); coding-DNA position 1835, A replaced by G.
Protein change: p.Asn612Ser; replaces asparagine 612 with serine.
Molecular consequence: missense variant. On other transcripts: non-coding transcript variant (1).
Genome position (GRCh38, 1-based): chr7:5,986,930, T>C on the plus strand (A>G on the coding strand, the complement: PMS2 is on the minus strand). VCF-style: chr7-5986930-T-C. GRCh37 (hg19) VCF-style: chr7-6026561-T-C.
Other names: c.1430A>G, p.Asn477Ser (NM_001322003.2, NM_001322004.2, NM_001322005.2 and 1 more transcripts); c.1679A>G, p.Asn560Ser (NM_001322006.2); c.1517A>G, p.Asn506Ser (NM_001322007.2, NM_001322008.2); c.1274A>G, p.Asn425Ser (NM_001322010.2); c.902A>G, p.Asn301Ser (NM_001322011.2, NM_001322012.2); c.1262A>G, p.Asn421Ser (NM_001322013.2); c.1835A>G, p.Asn612Ser (NM_001322014.2); c.1526A>G, p.Asn509Ser (NM_001322015.2); short protein forms N421S, N425S, N560S, N612S, N477S, N509S, N301S, N506S.
Identifiers: ClinVar variation 820148 (VCV000820148.12), dbSNP rs1583314932, ClinGen allele CA366739663.